The following is an entry in ClinVar:

ClinVar aggregate classification (germline): Uncertain significance. Review status: criteria provided, multiple submitters, no conflicts (2 of 4 stars). 2 submissions from 2 submitters: Uncertain significance (2). Last evaluated 2023-06-30.

Conditions:
Charcot-Marie-Tooth disease type 4. Also called: Charcot-Marie-Tooth, Type 4; Charcot-Marie-Tooth disease, type IV. Identifiers: Orphanet 64749, MedGen C4082197, MONDO:0018995.

Allele frequency attached by ClinVar (database versions not stated): TOPMed 0.00002.
gnomAD v4.1: 45 of 1,609,476 alleles (0.0028%); highest among the groups gnomAD compares: Non-Finnish European, 0.0033%; no homozygotes.

Submissions (2):

Labcorp Genetics (formerly Invitae), Labcorp
Classification: Uncertain significance for Charcot-Marie-Tooth disease type 4. Last evaluated: 2023-06-30. Review status: criteria provided, single submitter. Criteria: Invitae Variant Classification Sherloc (09022015). Collection method: clinical testing. Allele origin: germline.
Comment: ClinVar contains an entry for this variant (Variation ID: 1021209). This sequence change replaces glutamic acid, which is acidic and polar, with lysine, which is basic and polar, at codon 304 of the SBF2 protein (p.Glu304Lys). This variant is present in population databases (rs781039677, gnomAD 0.004%). This variant has not been reported in the literature in individuals affected with SBF2-related conditions. Advanced modeling of protein sequence and biophysical properties (such as structural, functional, and spatial information, amino acid conservation, physicochemical variation, residue mobility, and thermodynamic stability) performed at Invitae indicates that this missense variant is expected to disrupt SBF2 protein function. Algorithms developed to predict the effect of sequence changes on RNA splicing suggest that this variant may disrupt the consensus splice site. In summary, the available evidence is currently insufficient to determine the role of this variant in disease. Therefore, it has been classified as a Variant of Uncertain Significance.

Athena Diagnostics
Classification: Uncertain significance. Last evaluated: 2022-10-07. Review status: criteria provided, single submitter. Criteria: Athena Diagnostics Criteria. Collection method: clinical testing. Allele origin: unknown.
Comment: Available data are insufficient to determine the clinical significance of the variant at this time. The frequency of this variant in the general population is uninformative in assessment of its pathogenicity. Computational tools predict that this variant is not damaging.

Literature cited by the submitters: PubMed 27582484 (cited by Athena Diagnostics).

NM_030962.4(SBF2):c.910G>A (p.Glu304Lys)

Gene: SBF2 (SET binding factor 2; minus strand). Cytogenetic location: 11p15.4.
Variant type: single nucleotide variant.
Coding change: c.910G>A on transcript NM_030962.4 (MANE Select); coding-DNA position 910, G replaced by A.
Protein change: p.Glu304Lys; replaces glutamic acid 304 with lysine.
Molecular consequence: missense variant.
Genome position (GRCh38, 1-based): chr11:9,998,331, C>T on the plus strand (G>A on the coding strand, the complement: SBF2 is on the minus strand). VCF-style: chr11-9998331-C-T. GRCh37 (hg19) VCF-style: chr11-10019878-C-T.
Other names: c.910G>A, p.Glu304Lys (NM_001386339.1, NM_001386342.1); c.910G>A (NM_030962.3); short protein forms E304K.
Identifiers: ClinVar variation 1021209 (VCV001021209.8), dbSNP rs781039677, ClinGen allele CA5881973.